The following is an entry in ClinVar:

ClinVar aggregate classification (germline): Uncertain significance. Review status: criteria provided, multiple submitters, no conflicts (2 of 4 stars). 3 submissions from 3 submitters: Uncertain significance (2). 1 of the submissions does not count toward it. Last evaluated 2024-01-22.

Conditions:
CUL7-related disorder. Also called: CUL7-related condition.
Inborn genetic diseases. Identifiers: MedGen C0950123, MeSH D030342.

Allele frequency attached by ClinVar (database versions not stated): gnomAD exomes 0.00014 and 0.00018; ExAC 0.00016; gnomAD 0.00019; TOPMed 0.00019; ESP Exome Variant Server 0.00023; 1000 Genomes Project 30x 0.00031; 1000 Genomes Project 0.00040.

Submissions (3):

Labcorp Genetics (formerly Invitae), Labcorp
Classification: Uncertain significance. Last evaluated: 2024-01-22. Review status: criteria provided, single submitter. Criteria: Invitae Variant Classification Sherloc (09022015). Collection method: clinical testing. Allele origin: germline.
Comment: This sequence change replaces tyrosine, which is neutral and polar, with cysteine, which is neutral and slightly polar, at codon 471 of the CUL7 protein (p.Tyr471Cys). This variant is present in population databases (rs140873141, gnomAD 0.02%). This variant has not been reported in the literature in individuals affected with CUL7-related conditions. ClinVar contains an entry for this variant (Variation ID: 1512434). An algorithm developed to predict the effect of missense changes on protein structure and function (PolyPhen-2) suggests that this variant is likely to be disruptive. In summary, the available evidence is currently insufficient to determine the role of this variant in disease. Therefore, it has been classified as a Variant of Uncertain Significance.

Ambry Genetics
Classification: Uncertain significance for Inborn genetic diseases. Last evaluated: 2021-06-18. Review status: criteria provided, single submitter. Criteria: Ambry Variant Classification Scheme 2023. Collection method: clinical testing. Allele origin: germline.

PreventionGenetics, part of Exact Sciences
Classification: Uncertain significance for CUL7-related condition. Last evaluated: 2024-08-16. Review status: no assertion criteria provided. Collection method: clinical testing. Allele origin: germline. Not counted in ClinVar's aggregate classification.
Comment: The CUL7 c.1412A>G variant is predicted to result in the amino acid substitution p.Tyr471Cys. To our knowledge, this variant has not been reported in the literature. This variant is reported in 0.026% of alleles in individuals of European (Non-Finnish) descent in gnomAD. At this time, the clinical significance of this variant is uncertain due to the absence of conclusive functional and genetic evidence.

NM_014780.5(CUL7):c.1412A>G (p.Tyr471Cys)

Gene: CUL7 (cullin 7; minus strand). Cytogenetic location: 6p21.1.
Variant type: single nucleotide variant.
Coding change: c.1412A>G on transcript NM_014780.5 (MANE Select); coding-DNA position 1412, A replaced by G.
Protein change: p.Tyr471Cys; replaces tyrosine 471 with cysteine.
Molecular consequence: missense variant.
Genome position (GRCh38, 1-based): chr6:43,050,120, T>C on the plus strand (A>G on the coding strand, the complement: CUL7 is on the minus strand). VCF-style: chr6-43050120-T-C. GRCh37 (hg19) VCF-style: chr6-43017858-T-C.
Other names: c.1508A>G, p.Tyr503Cys (NM_001168370.2, NM_001374872.1); c.1412A>G, p.Tyr471Cys (NM_001374873.1, NM_001374874.1); c.1412A>G (NM_014780.4); short protein forms Y503C, Y471C.
Identifiers: ClinVar variation 1512434 (VCV001512434.6), dbSNP rs140873141, ClinGen allele CA3814146.
Genomic context (GRCh38, chr6:43,050,120, plus strand): 5'-AGGGTCAGGTGTTCACACTCCTCAGTGTCCTCATCCTCAGGCAGCACATAAGGCACAGCA[T>C]AGAGTTCTGTCATGGGCCTCCAGCGCCAGGCAGGCAGGGCTGTGAAAATGGGCCAAGGGG-3'
Protein context (NP_055595.2, residues 461-481): AWRWRPMTEL[Tyr471Cys]AVPYVLPEDE